The following is an entry in ClinVar:

ClinVar aggregate classification (germline): Uncertain significance (1 of 4 stars; one submission).

Conditions:
Spastic paraplegia. Identifiers: MedGen C0037772, HP:0001258.

Allele frequency attached by ClinVar (database versions not stated): gnomAD exomes below 0.00001; ExAC 0.00001.

Submission:

Labcorp Genetics (formerly Invitae), Labcorp
Classification: Uncertain significance for Spastic paraplegia. Last evaluated: 2022-08-15. Review status: criteria provided, single submitter. Criteria: Invitae Variant Classification Sherloc (09022015). Collection method: clinical testing. Allele origin: germline.
Comment: In summary, the available evidence is currently insufficient to determine the role of this variant in disease. Therefore, it has been classified as a Variant of Uncertain Significance. Algorithms developed to predict the effect of missense changes on protein structure and function (SIFT, PolyPhen-2, Align-GVGD) all suggest that this variant is likely to be tolerated. This variant has not been reported in the literature in individuals affected with ZFYVE26-related conditions. This variant is present in population databases (rs747071746, gnomAD 0.002%). This sequence change replaces serine, which is neutral and polar, with glycine, which is neutral and non-polar, at codon 565 of the ZFYVE26 protein (p.Ser565Gly).

NM_015346.4(ZFYVE26):c.1693A>G (p.Ser565Gly)

Gene: ZFYVE26 (zinc finger FYVE-type containing 26; minus strand). Cytogenetic location: 14q24.1.
Variant type: single nucleotide variant.
Coding change: c.1693A>G on transcript NM_015346.4 (MANE Select); coding-DNA position 1693, A replaced by G.
Protein change: p.Ser565Gly; replaces serine 565 with glycine.
Molecular consequence: missense variant.
Genome position (GRCh38, 1-based): chr14:67,798,569, T>C on the plus strand (A>G on the coding strand, the complement: ZFYVE26 is on the minus strand). VCF-style: chr14-67798569-T-C. GRCh37 (hg19) VCF-style: chr14-68265286-T-C.
Other names: short protein forms S565G.
Identifiers: ClinVar variation 2092513 (VCV002092513.4), dbSNP rs747071746, ClinGen allele CA7240458.